The following is an entry in ClinVar:

NM_018486.3(HDAC8):c.497G>A (p.Arg166Gln)

Gene: HDAC8 (histone deacetylase 8; minus strand). Cytogenetic location: Xq13.1.
Variant type: single nucleotide variant.
Coding change: c.497G>A on transcript NM_018486.3 (MANE Select); coding-DNA position 497, G replaced by A.
Protein change: p.Arg166Gln; replaces arginine 166 with glutamine.
Molecular consequence: missense variant. On other transcripts: non-coding transcript variant (5), intron variant (1).
Genome position (GRCh38, 1-based): chrX:72,495,209, C>T on the plus strand (G>A on the coding strand, the complement: HDAC8 is on the minus strand). VCF-style: chrX-72495209-C-T. GRCh37 (hg19) VCF-style: chrX-71715059-C-T.
Other names: c.224G>A, p.Arg75Gln (NM_001166418.2, NM_001166448.2, NM_001410728.1); c.497G>A, p.Arg166Gln (NM_001166419.2, NM_001410725.1, NM_001410727.1 and 2 more transcripts); c.438-30478G>A (NM_001441234.1); short protein forms R166Q, R75Q.
Identifiers: ClinVar variation 4082869 (VCV004082869.1).
Genomic context (GRCh38, chrX:72,495,209, plus strand): 5'-GGCTTACCATCTCCATGGTGCAGATCCAAATCCACGTAGAGAATACGCTCAAATTTCCGT[C>T]GCAATCGTAATATTCCCAGGACAGCATCATTGAGATAACAAAAACCAGATGCTTCATCTC-3'
Protein context (NP_060956.1, residues 156-176): NDAVLGILRL[Arg166Gln]RKFERILYVD

ClinVar aggregate classification (germline): Uncertain significance (1 of 4 stars; one submission).

gnomAD v4.1: 3 of 1,207,261 alleles (0.00025%); highest among the groups gnomAD compares: Non-Finnish European, 0.00034%; no homozygotes.

Submission:

GeneDx
Classification: Uncertain significance. Last evaluated: 2025-03-13. Review status: criteria provided, single submitter. Criteria: GeneDx Variant Classification Process June 2021. Collection method: clinical testing. Allele origin: germline. Affected: yes.
Comment: Not observed at significant frequency in large population cohorts (gnomAD); In silico analysis indicates that this missense variant does not alter protein structure/function; Has not been previously published as pathogenic or benign to our knowledge